The following is an entry in ClinVar:

ClinVar aggregate classification (germline): Benign/Likely benign. Review status: criteria provided, multiple submitters, no conflicts (2 of 4 stars). 7 submissions from 7 submitters: Benign (6); Likely benign (1). Last evaluated 2026-01-28.

Conditions:
Megalencephalic leukoencephalopathy with subcortical cysts. Also called: VAN DER KNAAP DISEASE. Identifiers: Orphanet 2478, MedGen C1858854, MONDO:0011391.

Allele frequency attached by ClinVar (database versions not stated): gnomAD 0.02928 and 0.03071; ESP Exome Variant Server 0.03223; TOPMed 0.03268; gnomAD exomes 0.03335; ExAC 0.03447; 1000 Genomes Project 30x 0.04716; 1000 Genomes Project 0.04972.
gnomAD v4.1: 45,133 of 1,614,120 alleles (2.8%); highest among the groups gnomAD compares: East Asian, 8.2%; 875 homozygotes.

Submissions (7):

Labcorp Genetics (formerly Invitae), Labcorp
Classification: Benign. Last evaluated: 2026-01-28. Review status: criteria provided, single submitter. Criteria: Invitae Variant Classification Sherloc (09022015). Collection method: clinical testing. Allele origin: germline.

Blueprint Genetics
Classification: Likely benign. Last evaluated: 2024-11-27. Review status: criteria provided, single submitter. Criteria: ACMG Guidelines, 2015. Collection method: clinical testing. Allele origin: germline.

Mayo Clinic Laboratories, Mayo Clinic
Classification: Benign. Last evaluated: 2022-03-24. Review status: criteria provided, single submitter. Criteria: ACMG Guidelines, 2015. Collection method: clinical testing. Allele origin: germline. Observed: 24 variant alleles.

GeneDx
Classification: Benign. Last evaluated: 2018-10-31. Review status: criteria provided, single submitter. Criteria: GeneDx Variant Classification Process June 2021. Collection method: clinical testing. Allele origin: germline. Affected: yes.

Illumina Laboratory Services, Illumina
Classification: Benign for Megalencephalic leukoencephalopathy with subcortical cysts. Last evaluated: 2018-01-12. Review status: criteria provided, single submitter. Criteria: ICSL Variant Classification Criteria 13 December 2019. Collection method: clinical testing. Allele origin: germline.
Comment: This variant was observed in the ICSL laboratory as part of a predisposition screen in an ostensibly healthy population. It had not been previously curated by ICSL or reported in the Human Gene Mutation Database (HGMD: prior to June 1st, 2018), and was therefore a candidate for classification through an automated scoring system. Utilizing variant allele frequency, disease prevalence and penetrance estimates, and inheritance mode, an automated score was calculated to assess if this variant is too frequent to cause the disease. Based on the score and internal cut-off values, a variant classified as benign is not then subjected to further curation. The score for this variant resulted in a classification of benign for this disease.

Breakthrough Genomics
Classification: Benign. Review status: criteria provided, single submitter. Criteria: ACMG Guidelines, 2015. Collection method: not provided. Allele origin: germline. Inheritance: Autosomal recessive inheritance. Affected: yes.

PreventionGenetics, part of Exact Sciences
Classification: Benign. Review status: criteria provided, single submitter. Criteria: ACMG Guidelines, 2015. Collection method: clinical testing. Allele origin: germline.

NM_152722.5(HEPACAM):c.339G>A (p.Gln113=)

Gene: HEPACAM (hepatic and glial cell adhesion molecule; minus strand). Cytogenetic location: 11q24.2.
Variant type: single nucleotide variant.
Coding change: c.339G>A on transcript NM_152722.5 (MANE Select); coding-DNA position 339, G replaced by A.
Protein change: p.Gln113=; no amino-acid change (glutamine 113 retained).
Molecular consequence: synonymous variant.
Genome position (GRCh38, 1-based): chr11:124,924,816, C>T on the plus strand (G>A on the coding strand, the complement: HEPACAM is on the minus strand). VCF-style: chr11-124924816-C-T. GRCh37 (hg19) VCF-style: chr11-124794712-C-T.
Other names: p.Gln113=.
Identifiers: ClinVar variation 262677 (VCV000262677.18), dbSNP rs74570840, ClinGen allele CA6345768.
Genomic context (GRCh38, chr11:124,924,816, plus strand): 5'-CCCAGTGAAGGTGTCGTCGGTGATGGAGATCTCGACCTCATAGGTGCCCTCATCGGCCAG[C>T]TGCAGGTCGCTGAGAAGCAGGGAGCCATTTTCAAAGAGTCGGATACGGTCTCGATAGTCA-3'
Protein context (NP_689935.2, residues 103-123): ENGSLLLSDL[Gln113=]LADEGTYEVE